The following is an entry in ClinVar:

ClinVar aggregate classification (germline): Uncertain significance. Review status: criteria provided, multiple submitters, no conflicts (2 of 4 stars). 3 submissions from 3 submitters: Uncertain significance (2). 1 of the submissions does not count toward it. Last evaluated 2025-04-14.

Conditions:
Charcot-Marie-Tooth disease type 2. Also called: Charcot-Marie-Tooth type 2. Identifiers: Orphanet 64746, MedGen C0270914, MONDO:0018993.
Trichothiodystrophy 8, nonphotosensitive. Identifiers: MedGen C5562057, MONDO:0030517, OMIM 619691.

Allele frequency attached by ClinVar (database versions not stated): TOPMed below 0.00001.
gnomAD v4.1: 6 of 1,613,946 alleles (0.00037%); highest among the groups gnomAD compares: Non-Finnish European, 0.00051%; no homozygotes.

Submissions (3):

Mayo Clinic Laboratories, Mayo Clinic
Classification: Uncertain significance. Last evaluated: 2025-04-14. Review status: criteria provided, single submitter. Criteria: ACMG Guidelines, 2015. Collection method: clinical testing. Allele origin: germline. Observed: 1 variant allele.
Comment: PP3_moderate, PM2_supporting, PS3_supporting

Labcorp Genetics (formerly Invitae), Labcorp
Classification: Uncertain significance for Charcot-Marie-Tooth disease type 2. Last evaluated: 2022-05-30. Review status: criteria provided, single submitter. Criteria: Invitae Variant Classification Sherloc (09022015). Collection method: clinical testing. Allele origin: germline.
Comment: This sequence change replaces threonine, which is neutral and polar, with alanine, which is neutral and non-polar, at codon 726 of the AARS protein (p.Thr726Ala). In summary, the available evidence is currently insufficient to determine the role of this variant in disease. Therefore, it has been classified as a Variant of Uncertain Significance. Algorithms developed to predict the effect of sequence changes on RNA splicing suggest that this variant may disrupt the consensus splice site. Algorithms developed to predict the effect of missense changes on protein structure and function are either unavailable or do not agree on the potential impact of this missense change (SIFT: "Deleterious"; PolyPhen-2: "Probably Damaging"; Align-GVGD: "Class C0"). ClinVar contains an entry for this variant (Variation ID: 1331694). This missense change has been observed in individual(s) with autosomal recessive trichothiodystrophy (PMID: 33909043). This variant is not present in population databases (gnomAD no frequency).

OMIM
Classification: Pathogenic for TRICHOTHIODYSTROPHY 8, NONPHOTOSENSITIVE. Last evaluated: 2022-01-05. Review status: no assertion criteria provided. Collection method: literature only. Allele origin: germline. Not counted in ClinVar's aggregate classification.

Literature cited by the submitters: PubMed 33909043 (cited by 3 submitters); PubMed 38979321 (cited by Mayo Clinic Laboratories, Mayo Clinic); PubMed 6492094 (cited by OMIM).

NM_001605.3(AARS1):c.2176A>G (p.Thr726Ala)

Gene: AARS1 (alanyl-tRNA synthetase 1; minus strand). Cytogenetic location: 16q22.1.
Variant type: single nucleotide variant.
Coding change: c.2176A>G on transcript NM_001605.3 (MANE Select); coding-DNA position 2176, A replaced by G.
Protein change: p.Thr726Ala; replaces threonine 726 with alanine.
Molecular consequence: missense variant.
Genome position (GRCh38, 1-based): chr16:70,258,034, T>C on the plus strand (A>G on the coding strand, the complement: AARS1 is on the minus strand). VCF-style: chr16-70258034-T-C. GRCh37 (hg19) VCF-style: chr16-70291937-T-C.
Other names: p.Thr726Ala; c.2176A>G (NM_001605.2); short protein forms T726A.
Identifiers: ClinVar variation 1331694 (VCV001331694.7), dbSNP rs1312337697, ClinGen allele CA396557505.